The following is an entry in ClinVar:

NC_012920.1(MT-ATP6):m.9047T>C

Gene: MT-ATP6 (mitochondrially encoded ATP synthase 6; plus strand).
Variant type: single nucleotide variant.
Genome position: chrM-9047-T-C.
Identifiers: ClinVar variation 693063 (VCV000693063.1), dbSNP rs1603222008, ClinGen allele CA414802010.

ClinVar aggregate classification (germline): Uncertain significance (1 of 4 stars; one submission).

Conditions:
Leigh syndrome (NULS). Also called: Leigh's necrotizing encephalopathy; Leigh's disease; Leigh Syndrome (mtDNA deletion); Leigh Disease; Subacute necrotizing encephalopathy; Necrotizing encephalopathy infantile subacute of Leigh. Identifiers: Orphanet 506, MedGen C2931891, MONDO:0009723, OMIM 256000.

Submission:

Wong Mito Lab, Molecular and Human Genetics, Baylor College of Medicine
Classification: Uncertain significance for Leigh syndrome. Last evaluated: 2019-10-17. Review status: criteria provided, single submitter. Criteria: Modified ACMG Guidelines (Unpublished). Collection method: clinical testing. Allele origin: germline.
Comment: The NC_012920.1:m.9047T>C (YP_003024031.1:p.Ile174Thr) variant in MTATP6 gene is interpretated to be a Uncertain Significance variant based on the modified ACMG guidelines (unpublished). This variant meets the following evidence codes: PP3